The following is an entry in ClinVar:

ClinVar aggregate classification (germline): Pathogenic (1 of 4 stars; one submission).

Conditions:
Retinoblastoma (RB1). Also called: RETINOBLASTOMA, SOMATIC. Identifiers: Orphanet 790, MedGen C0035335, MeSH D012175, MONDO:0008380, OMIM 180200, HP:0009919. Disease mechanism: loss of function. Inheritance: Both sporadic and heritable forms are tested..

Submission:

Labcorp Genetics (formerly Invitae), Labcorp
Classification: Pathogenic for Retinoblastoma. Last evaluated: 2024-05-05. Review status: criteria provided, single submitter. Criteria: Invitae Variant Classification Sherloc (09022015). Collection method: clinical testing. Allele origin: germline.
Comment: This sequence change creates a premature translational stop signal (p.Asp286Metfs*3) in the RB1 gene. It is expected to result in an absent or disrupted protein product. Loss-of-function variants in RB1 are known to be pathogenic (PMID: 17096365). This variant is not present in population databases (gnomAD no frequency). This variant has not been reported in the literature in individuals affected with RB1-related conditions. For these reasons, this variant has been classified as Pathogenic.

Literature cited by the submitters: PubMed 17096365.

NM_000321.3(RB1):c.856del (p.Asp286fs)

Gene: RB1 (RB transcriptional corepressor 1; plus strand). Cytogenetic location: 13q14.2.
Variant type: Deletion.
Coding change: c.856del on transcript NM_000321.3 (MANE Select); coding-DNA position 856, one base deleted (G; older notation c.856delG).
Protein change: p.Asp286fs; shifts the reading frame from aspartic acid 286.
Molecular consequence: frameshift variant.
Genome position (GRCh38, 1-based): chr13:48,362,952, G deleted. VCF-style (leftmost placement, unchanged base first): chr13-48362951-AG-A. GRCh37 (hg19) VCF-style: chr13-48937087-AG-A.
Other names: c.856del, p.Asp286fs (NM_001407165.1, NM_001407166.1); short protein forms D286fs.
Identifiers: ClinVar variation 3652236 (VCV003652236.2).